The following is an entry in ClinVar:

ClinVar aggregate classification (germline): Benign. Review status: criteria provided, multiple submitters, no conflicts (2 of 4 stars). 5 submissions from 4 submitters: Benign (5). Last evaluated 2019-03-24.

Conditions:
Mucolipidosis type II. Also called: Mucolipidosis II Alpha/Beta; ML II ALPHA/BETA; Mucolipidosis 2; ML 2; Inclusion cell disease; Leroy Disease. Identifiers: Orphanet 576, MedGen C2673377, MONDO:0009650, OMIM 252500.
Pseudo-Hurler polydystrophy. Also called: MUCOLIPIDOSIS IIIA; ML IIIA; Mucolipidosis III Alpha/Beta; ML III; ML III ALPHA/BETA; Type III Mucolipidosis. Identifiers: Orphanet 423461, Orphanet 577, MedGen C0033788, MONDO:0018931, OMIM 252600.

Allele frequency attached by ClinVar (database versions not stated): 1000 Genomes Project 30x 0.03857; TOPMed 0.03632; ESP Exome Variant Server 0.03645; ExAC 0.01049; gnomAD 0.03162 and 0.03438; 1000 Genomes Project 0.03554.
gnomAD v4.1: 7,954 of 1,088,824 alleles (0.73%); highest among the groups gnomAD compares: African/African-American, 11%; 405 homozygotes.

Submissions (5):

GeneDx
Classification: Benign. Last evaluated: 2019-03-24. Review status: criteria provided, single submitter. Criteria: GeneDx Variant Classification Process June 2021. Collection method: clinical testing. Allele origin: germline. Affected: yes.

Illumina Laboratory Services, Illumina
Classification: Benign for Mucolipidosis type II. Last evaluated: 2018-01-12. Review status: criteria provided, single submitter. Criteria: ICSL Variant Classification Criteria 13 December 2019. Collection method: clinical testing. Allele origin: germline.
Comment: This variant was observed in the ICSL laboratory as part of a predisposition screen in an ostensibly healthy population. It had not been previously curated by ICSL or reported in the Human Gene Mutation Database (HGMD: prior to June 1st, 2018), and was therefore a candidate for classification through an automated scoring system. Utilizing variant allele frequency, disease prevalence and penetrance estimates, and inheritance mode, an automated score was calculated to assess if this variant is too frequent to cause the disease. Based on the score and internal cut-off values, a variant classified as benign is not then subjected to further curation. The score for this variant resulted in a classification of benign for this disease.

Illumina Laboratory Services, Illumina
Classification: Benign for Pseudo-Hurler polydystrophy. Last evaluated: 2018-01-12. Review status: criteria provided, single submitter. Criteria: ICSL Variant Classification Criteria 13 December 2019. Collection method: clinical testing. Allele origin: germline.
Comment: the same text as in the submission from Illumina Laboratory Services, Illumina above.

Eurofins Ntd Llc (ga)
Classification: Benign. Last evaluated: 2017-02-03. Review status: criteria provided, single submitter. Criteria: EGL Classification Definitions 2015. Collection method: clinical testing. Allele origin: germline. Observed: 1 variant allele, 1 heterozygote.

Breakthrough Genomics
Classification: Benign. Review status: criteria provided, single submitter. Criteria: ACMG Guidelines, 2015. Collection method: not provided. Allele origin: germline. Inheritance: Autosomal recessive inheritance. Affected: yes.

NM_024312.5(GNPTAB):c.*43C>T

Gene: GNPTAB (N-acetylglucosamine-1-phosphate transferase subunits alpha and beta; minus strand). Cytogenetic location: 12q23.2.
Variant type: single nucleotide variant.
Coding change: c.*43C>T on transcript NM_024312.5 (MANE Select); 43 bases downstream of the stop codon, C replaced by T.
Molecular consequence: 3 prime UTR variant.
Genome position (GRCh38, 1-based): chr12:101,747,121, G>A on the plus strand (C>T on the coding strand, the complement: GNPTAB is on the minus strand). VCF-style: chr12-101747121-G-A. GRCh37 (hg19) VCF-style: chr12-102140899-G-A.
Identifiers: ClinVar variation 306792 (VCV000306792.13), dbSNP rs79089208, ClinGen allele CA6746043.